The following is an entry in ClinVar:

NM_032578.4(MYPN):c.850A>G (p.Thr284Ala)

Gene: MYPN (myopalladin; plus strand). Cytogenetic location: 10q21.3.
Variant type: single nucleotide variant.
Coding change: c.850A>G on transcript NM_032578.4 (MANE Select); coding-DNA position 850, A replaced by G.
Protein change: p.Thr284Ala; replaces threonine 284 with alanine.
Molecular consequence: missense variant. On other transcripts: 5 prime UTR variant (1), non-coding transcript variant (1).
Genome position (GRCh38, 1-based): chr10:68,122,288, A>G. VCF-style: chr10-68122288-A-G. GRCh37 (hg19) VCF-style: chr10-69882045-A-G.
Other names: c.850A>G, p.Thr284Ala (NM_001256267.2); c.-273A>G (NM_001256268.2); short protein forms T284A.
Identifiers: ClinVar variation 3228181 (VCV003228181.1), dbSNP rs965543130, ClinGen allele CA209185543.

ClinVar aggregate classification (germline): Uncertain significance (1 of 4 stars; one submission).

Conditions:
Cardiovascular phenotype. Identifiers: MedGen CN230736.

Allele frequency attached by ClinVar (database versions not stated): gnomAD exomes below 0.00001; TOPMed 0.00001.
gnomAD v4.1: 1 of 1,613,826 alleles (0.000062%); highest among the groups gnomAD compares: Non-Finnish European, 0.000085%; no homozygotes.

Submission:

Ambry Genetics
Classification: Uncertain significance for Cardiovascular phenotype. Last evaluated: 2023-12-10. Review status: criteria provided, single submitter. Criteria: Ambry Variant Classification Scheme 2023. Collection method: clinical testing. Allele origin: germline.
Comment: The p.T284A variant (also known as c.850A>G), located in coding exon 1 of the MYPN gene, results from an A to G substitution at nucleotide position 850. The threonine at codon 284 is replaced by alanine, an amino acid with similar properties. This amino acid position is conserved. In addition, this alteration is predicted to be tolerated by in silico analysis. Since supporting evidence is limited at this time, the clinical significance of this alteration remains unclear.